The following is an entry in ClinVar:

ClinVar aggregate classification (germline): Uncertain significance (1 of 4 stars; one submission).

Conditions:
CRX-related disorder. Also called: CRX-related condition.

gnomAD v4.1: 2 of 1,613,604 alleles (0.00012%); highest among the groups gnomAD compares: Non-Finnish European, 0.00017%; no homozygotes.

Submission:

PreventionGenetics, part of Exact Sciences
Classification: Uncertain significance for CRX-related condition. Last evaluated: 2025-05-12. Review status: criteria provided, single submitter. Criteria: ACMG Guidelines, 2015. Collection method: clinical testing. Allele origin: germline.
Comment: The CRX c.312G>C variant is predicted to result in the amino acid substitution p.Gln104His. To our knowledge, this variant has not been reported in the literature or in a large population database (gnomAD), indicating this variant is rare. At this time, the clinical significance of this variant is uncertain due to the absence of conclusive functional and genetic evidence.

NM_000554.6(CRX):c.312G>C (p.Gln104His)

Gene: CRX (cone-rod homeobox; plus strand). Cytogenetic location: 19q13.33.
Variant type: single nucleotide variant.
Coding change: c.312G>C on transcript NM_000554.6 (MANE Select); coding-DNA position 312, G replaced by C.
Protein change: p.Gln104His; replaces glutamine 104 with histidine.
Molecular consequence: missense variant.
Genome position (GRCh38, 1-based): chr19:47,839,379, G>C. VCF-style: chr19-47839379-G-C. GRCh37 (hg19) VCF-style: chr19-48342636-G-C.
Other names: short protein forms Q104H.
Identifiers: ClinVar variation 4990066 (VCV004990066.1).